The following is an entry in ClinVar:

ClinVar aggregate classification (germline): Uncertain significance (1 of 4 stars; one submission).

Conditions:
Kleefstra syndrome 1 (KLEFS1). Identifiers: Orphanet 261494, MedGen C0795833, MONDO:0027407, OMIM 610253.

gnomAD v4.1: 3 of 1,613,968 alleles (0.00019%); highest among the groups gnomAD compares: Non-Finnish European, 0.00025%; no homozygotes.

Submission:

Labcorp Genetics (formerly Invitae), Labcorp
Classification: Uncertain significance for Kleefstra syndrome 1. Last evaluated: 2025-09-02. Review status: criteria provided, single submitter. Criteria: Invitae Variant Classification Sherloc (09022015). Collection method: clinical testing. Allele origin: germline.
Comment: This sequence change replaces glutamic acid, which is acidic and polar, with glutamine, which is neutral and polar, at codon 664 of the EHMT1 protein (p.Glu664Gln). This variant is not present in population databases (gnomAD no frequency). This variant has not been reported in the literature in individuals affected with EHMT1-related conditions. This missense change has been observed in at least one individual who was not affected with EHMT1-related conditions (internal data). An algorithm developed to predict the effect of missense changes on protein structure and function (PolyPhen-2) suggests that this variant is likely to be tolerated. In summary, the available evidence is currently insufficient to determine the role of this variant in disease. Therefore, it has been classified as a Variant of Uncertain Significance.

NM_024757.5(EHMT1):c.1990G>C (p.Glu664Gln)

Gene: EHMT1 (euchromatic histone lysine methyltransferase 1; plus strand). Cytogenetic location: 9q34.3.
Variant type: single nucleotide variant.
Coding change: c.1990G>C on transcript NM_024757.5 (MANE Select); coding-DNA position 1990, G replaced by C.
Protein change: p.Glu664Gln; replaces glutamic acid 664 with glutamine.
Molecular consequence: missense variant.
Genome position (GRCh38, 1-based): chr9:137,776,816, G>C. VCF-style: chr9-137776816-G-C. GRCh37 (hg19) VCF-style: chr9-140671268-G-C.
Other names: c.1990G>C, p.Glu664Gln (NM_001145527.2); c.1897G>C, p.Glu633Gln (NM_001354259.2); c.1969G>C, p.Glu657Gln (NM_001354263.2); short protein forms E633Q, E657Q, E664Q.
Identifiers: ClinVar variation 4805267 (VCV004805267.1).